The following is an entry in ClinVar:

ClinVar aggregate classification (germline): Uncertain significance. Review status: criteria provided, multiple submitters, no conflicts (2 of 4 stars). 2 submissions from 2 submitters: Uncertain significance (2). Last evaluated 2023-12-29.

Conditions:
Bardet-Biedl syndrome 15 (BBS15). Identifiers: Orphanet 110, MedGen C3150127, MONDO:0014443, OMIM 615992.
Heart defect - tongue hamartoma - polysyndactyly syndrome. Also called: Congenital heart defects, hamartomas of tongue, and polysyndactyly. Identifiers: Orphanet 1338, MedGen C1857587, MONDO:0009008, OMIM 217085.
Bardet-Biedl syndrome (BBS). Identifiers: Orphanet 110, MedGen C0752166, MONDO:0015229.

Allele frequency attached by ClinVar (database versions not stated): TOPMed below 0.00001.

Submissions (2):

Fulgent Genetics
Classification: Uncertain significance for Heart defect - tongue hamartoma - polysyndactyly syndrome; Bardet-Biedl syndrome 15. Last evaluated: 2023-12-29. Review status: criteria provided, single submitter. Criteria: ACMG Guidelines, 2015. Collection method: clinical testing. Allele origin: germline.

Labcorp Genetics (formerly Invitae), Labcorp
Classification: Uncertain significance for Bardet-Biedl syndrome. Last evaluated: 2019-08-24. Review status: criteria provided, single submitter. Criteria: Invitae Variant Classification Sherloc (09022015). Collection method: clinical testing. Allele origin: germline.
Comment: In summary, the available evidence is currently insufficient to determine the role of this variant in disease. Therefore, it has been classified as a Variant of Uncertain Significance. Algorithms developed to predict the effect of missense changes on protein structure and function are either unavailable or do not agree on the potential impact of this missense change (SIFT: "Tolerated"; PolyPhen-2: "Possibly Damaging"; Align-GVGD: "Class C0"). This variant has not been reported in the literature in individuals with WDPCP-related conditions. This variant is not present in population databases (ExAC no frequency). This sequence change replaces histidine with arginine at codon 73 of the WDPCP protein (p.His73Arg). The histidine residue is moderately conserved and there is a small physicochemical difference between histidine and arginine.

NM_015910.7(WDPCP):c.218A>G (p.His73Arg)

Gene: WDPCP (WD repeat containing planar cell polarity effector; minus strand). Cytogenetic location: 2p15.
Variant type: single nucleotide variant.
Coding change: c.218A>G on transcript NM_015910.7 (MANE Select); coding-DNA position 218, A replaced by G.
Protein change: p.His73Arg; replaces histidine 73 with arginine.
Molecular consequence: missense variant. On other transcripts: non-coding transcript variant (2).
Genome position (GRCh38, 1-based): chr2:63,486,577, T>C on the plus strand (A>G on the coding strand, the complement: WDPCP is on the minus strand). VCF-style: chr2-63486577-T-C. GRCh37 (hg19) VCF-style: chr2-63713711-T-C.
Other names: c.146A>G, p.His49Arg (NM_001354044.2); c.218A>G, p.His73Arg (NM_001354045.2); short protein forms H49R, H73R.
Identifiers: ClinVar variation 942857 (VCV000942857.10), dbSNP rs1481685257, ClinGen allele CA347066145.